The following is an entry in ClinVar:

ClinVar aggregate classification (germline): Uncertain significance (1 of 4 stars; one submission).

Conditions:
Dilated cardiomyopathy 1G (CMD1G). Identifiers: Orphanet 154, MedGen C1858763, MONDO:0011400, OMIM 604145.
Autosomal recessive limb-girdle muscular dystrophy type 2J (LGMDR10). Also called: Limb-girdle muscular dystrophy, type 2J; MUSCULAR DYSTROPHY, LIMB-GIRDLE, AUTOSOMAL RECESSIVE 10. Identifiers: Orphanet 140922, MedGen C1837342, MONDO:0012127, OMIM 608807.

Submission:

Labcorp Genetics (formerly Invitae), Labcorp
Classification: Uncertain significance for Dilated cardiomyopathy 1G; Autosomal recessive limb-girdle muscular dystrophy type 2J. Last evaluated: 2021-04-28. Review status: criteria provided, single submitter. Criteria: Invitae Variant Classification Sherloc (09022015). Collection method: clinical testing. Allele origin: germline.
Comment: This sequence change falls in intron 290 of the TTN gene. It does not directly change the encoded amino acid sequence of the TTN protein. It affects a nucleotide within the consensus splice site of the intron. This variant is not present in population databases (ExAC no frequency). This variant has not been reported in the literature in individuals with TTN-related conditions. Nucleotide substitutions within the consensus splice site are a relatively common cause of aberrant splicing (PMID: 17576681, 9536098). Algorithms developed to predict the effect of sequence changes on RNA splicing suggest that this variant may disrupt the consensus splice site, but this prediction has not been confirmed by published transcriptional studies. In summary, the available evidence is currently insufficient to determine the role of this variant in disease. Therefore, it has been classified as a Variant of Uncertain Significance.

Literature cited by the submitters: PubMed 17576681; PubMed 9536098.

NM_001267550.2(TTN):c.56647+6T>C

Genes: TTN (titin; minus strand), TTN-AS1 (TTN antisense RNA 1; plus strand). Cytogenetic location: 2q31.2.
Variant type: single nucleotide variant.
Coding change: c.56647+6T>C on transcript NM_001267550.2 (MANE Select); 6 bases into the intron after coding-DNA position 56647, T replaced by C.
Molecular consequence: intron variant.
Genome position (GRCh38, 1-based): chr2:178,599,140, A>G on the plus strand (T>C on the coding strand, the complement: TTN is on the minus strand). VCF-style: chr2-178599140-A-G. GRCh37 (hg19) VCF-style: chr2-179463867-A-G.
Other names: c.29452+6T>C (NM_003319.4); c.30028+6T>C (NM_133437.4); c.29827+6T>C (NM_133432.3); c.48943+6T>C (NM_133378.4); c.51724+6T>C (NM_001256850.1).
Identifiers: ClinVar variation 1934639 (VCV001934639.2), dbSNP rs2469881354, ClinGen allele CA2577170676.